The following is an entry in ClinVar:

NM_174936.4(PCSK9):c.80G>A (p.Gly27Asp)

Gene: PCSK9 (proprotein convertase subtilisin/kexin type 9; plus strand). Cytogenetic location: 1p32.3.
Variant type: single nucleotide variant.
Coding change: c.80G>A on transcript NM_174936.4 (MANE Select); coding-DNA position 80, G replaced by A.
Protein change: p.Gly27Asp; replaces glycine 27 with aspartic acid.
Molecular consequence: missense variant.
Genome position (GRCh38, 1-based): chr1:55,039,917, G>A. VCF-style: chr1-55039917-G-A. GRCh37 (hg19) VCF-style: chr1-55505590-G-A.
Other names: c.80G>A, p.Gly27Asp (NM_001407240.1, NM_001407241.1, NM_001407242.1 and 4 more transcripts); c.-655G>A (NM_001407246.1); short protein forms G27D.
Identifiers: ClinVar variation 1761998 (VCV001761998.5), dbSNP rs1187613601, ClinGen allele CA340482731.

ClinVar aggregate classification (germline): Uncertain significance. Review status: criteria provided, multiple submitters, no conflicts (2 of 4 stars). 3 submissions from 3 submitters: Uncertain significance (3). Last evaluated 2024-12-06.

Conditions:
Cardiovascular phenotype. Identifiers: MedGen CN230736.
Familial hypercholesterolemia. Also called: Familial hypercholesterolaemia. Identifiers: MedGen C0020445, MONDO:0005439.

Allele frequency attached by ClinVar (database versions not stated): gnomAD exomes 0.00001.

Submissions (3):

Women's Health and Genetics/Laboratory Corporation of America, LabCorp
Classification: Uncertain significance. Last evaluated: 2024-12-06. Review status: criteria provided, single submitter. Criteria: LabCorp Variant Classification Summary - May 2015. Collection method: clinical testing. Allele origin: germline.

Color Diagnostics, LLC DBA Color Health
Classification: Uncertain significance for Familial hypercholesterolemia. Last evaluated: 2022-11-07. Review status: criteria provided, single submitter. Criteria: ACMG Guidelines, 2015. Collection method: clinical testing. Allele origin: germline.
Comment: This missense variant replaces glycine with aspartic acid at codon 27 of the PCSK9 protein. Computational prediction suggests that this variant may not impact protein structure and function (internally defined REVEL score threshold <= 0.5, PMID: 27666373). To our knowledge, functional studies have not been reported for this variant. This variant has not been reported in individuals affected with PCSK9-related disorders in the literature. This variant has not been identified in the general population by the Genome Aggregation Database (gnomAD). The available evidence is insufficient to determine the role of this variant in disease conclusively. Therefore, this variant is classified as a Variant of Uncertain Significance.

Ambry Genetics
Classification: Uncertain significance for Cardiovascular phenotype. Last evaluated: 2022-03-03. Review status: criteria provided, single submitter. Criteria: Ambry Variant Classification Scheme 2023. Collection method: clinical testing. Allele origin: germline.
Comment: The p.G27D variant (also known as c.80G>A), located in coding exon 1 of the PCSK9 gene, results from a G to A substitution at nucleotide position 80. The glycine at codon 27 is replaced by aspartic acid, an amino acid with similar properties. This amino acid position is conserved. In addition, this alteration is predicted to be tolerated by in silico analysis. Since supporting evidence is limited at this time, the clinical significance of this alteration remains unclear.